The following is an entry in ClinVar:

NM_000257.4(MYH7):c.4893C>T (p.His1631=)

Genes: MHRT (myosin heavy chain associated RNA transcript; plus strand), MYH7 (myosin heavy chain 7; minus strand), LOC126861897 (BRD4-independent group 4 enhancer GRCh37_chr14:23884455-23885654; plus strand). Cytogenetic location: 14q11.2.
Variant type: single nucleotide variant.
Coding change: c.4893C>T on transcript NM_000257.4 (MANE Select); coding-DNA position 4893, C replaced by T.
Protein change: p.His1631=; no amino-acid change (histidine 1631 retained).
Molecular consequence: synonymous variant. On other transcripts: non-coding transcript variant (1).
Genome position (GRCh38, 1-based): chr14:23,416,064, G>A on the plus strand (C>T on the coding strand, the complement: MYH7 is on the minus strand). VCF-style: chr14-23416064-G-A. GRCh37 (hg19) VCF-style: chr14-23885273-G-A.
Other names: c.4893C>T (LRG_384t1).
Identifiers: ClinVar variation 379007 (VCV000379007.16), dbSNP rs369164804, ClinGen allele CA044116.

ClinVar aggregate classification (germline): Likely benign. Review status: criteria provided, multiple submitters, no conflicts (2 of 4 stars). 7 submissions from 7 submitters: Likely benign (7). Last evaluated 2026-02-03.

Conditions:
Cardiomyopathy (CMYO). Also called: Cardiomyopathies. Identifiers: Orphanet 167848, MedGen C0878544, MONDO:0004994, HP:0001638. Inheritance: Various modes of inheritance.
Cardiovascular phenotype. Identifiers: MedGen CN230736.
Hypertrophic cardiomyopathy. Also called: HYPERTROPHIC MYOCARDIOPATHY. Identifiers: Orphanet 217569, MedGen C0007194, MeSH D002312, MONDO:0005045, HP:0001639.

Allele frequency attached by ClinVar (database versions not stated): gnomAD 0.00004; gnomAD exomes 0.00004 and 0.00006; TOPMed 0.00006; ExAC 0.00013; ESP Exome Variant Server 0.00015; 1000 Genomes Project 30x 0.00016; 1000 Genomes Project 0.00020.
gnomAD v4.1: 61 of 1,614,208 alleles (0.0038%); highest among the groups gnomAD compares: Middle Eastern, 0.033%; no homozygotes.

Submissions (7):

Labcorp Genetics (formerly Invitae), Labcorp
Classification: Likely benign for Hypertrophic cardiomyopathy. Last evaluated: 2026-02-03. Review status: criteria provided, single submitter. Criteria: Invitae Variant Classification Sherloc (09022015). Collection method: clinical testing. Allele origin: germline.

Blueprint Genetics
Classification: Likely benign. Last evaluated: 2024-10-15. Review status: criteria provided, single submitter. Criteria: ACMG Guidelines, 2015. Collection method: clinical testing. Allele origin: germline.

All of Us Research Program, National Institutes of Health
Classification: Likely benign for Cardiomyopathy. Last evaluated: 2023-12-01. Review status: criteria provided, single submitter. Criteria: ACMG Guidelines, 2015. Collection method: clinical testing. Allele origin: germline. Inheritance: Autosomal dominant inheritance. Observed: 9 variant alleles, 9 heterozygotes.
Comment: This study involves interpretation of variants in research participants for the purpose of population health screening. Participant phenotype was not available at the time of variant classification. Additional details can be found in publication PMID: 35346344, PMCID: PMC8962531

Ambry Genetics
Classification: Likely benign for Cardiovascular phenotype. Last evaluated: 2020-12-15. Review status: criteria provided, single submitter. Criteria: Ambry Variant Classification Scheme 2023. Collection method: clinical testing. Allele origin: germline.

Women's Health and Genetics/Laboratory Corporation of America, LabCorp
Classification: Likely benign. Last evaluated: 2020-04-12. Review status: criteria provided, single submitter. Criteria: LabCorp Variant Classification Summary - May 2015. Collection method: clinical testing. Allele origin: germline.

Color Diagnostics, LLC DBA Color Health
Classification: Likely benign for Cardiomyopathy. Last evaluated: 2018-04-26. Review status: criteria provided, single submitter. Criteria: ACMG Guidelines, 2015. Collection method: clinical testing. Allele origin: germline.

GeneDx
Classification: Likely benign. Last evaluated: 2018-02-09. Review status: criteria provided, single submitter. Criteria: GeneDx Variant Classification (06012015). Collection method: clinical testing. Allele origin: germline. Affected: yes.
Comment: This variant is considered likely benign or benign based on one or more of the following criteria: it is a conservative change, it occurs at a poorly conserved position in the protein, it is predicted to be benign by multiple in silico algorithms, and/or has population frequency not consistent with disease.